The following is an entry in ClinVar:

ClinVar aggregate classification (germline): Likely benign. Review status: criteria provided, multiple submitters, no conflicts (2 of 4 stars). 3 submissions from 3 submitters: Likely benign (3). Last evaluated 2026-08-01.

Allele frequency attached by ClinVar (database versions not stated): ExAC 0.00012; gnomAD exomes 0.00014 and 0.00026; ESP Exome Variant Server 0.00015; 1000 Genomes Project 30x 0.00016; 1000 Genomes Project 0.00020; gnomAD 0.00027; TOPMed 0.00028.
gnomAD v4.1: 420 of 1,613,864 alleles (0.026%); highest among the groups gnomAD compares: Non-Finnish European, 0.033%; no homozygotes.

Submissions (3):

CeGaT Center for Human Genetics Tuebingen
Classification: Likely benign. Last evaluated: 2026-08-01. Review status: criteria provided, single submitter. Criteria: CeGaT Center For Human Genetics Tuebingen Variant Classification Criteria Version 2. Collection method: clinical testing. Allele origin: germline. Affected: yes. Observed: 2 variant alleles.
Comment: SLC36A2: BP4, BP7

Labcorp Genetics (formerly Invitae), Labcorp
Classification: Likely benign. Last evaluated: 2025-02-19. Review status: criteria provided, single submitter. Criteria: Invitae Variant Classification Sherloc (09022015). Collection method: clinical testing. Allele origin: germline.

Blueprint Genetics
Classification: Likely benign. Last evaluated: 2024-11-18. Review status: criteria provided, single submitter. Criteria: ACMG Guidelines, 2015. Collection method: clinical testing. Allele origin: germline.

NM_181776.3(SLC36A2):c.978G>A (p.Lys326=)

Gene: SLC36A2 (solute carrier family 36 member 2; minus strand). Cytogenetic location: 5q33.1.
Variant type: single nucleotide variant.
Coding change: c.978G>A on transcript NM_181776.3 (MANE Select); coding-DNA position 978, G replaced by A.
Protein change: p.Lys326=; no amino-acid change (lysine 326 retained).
Molecular consequence: synonymous variant.
Genome position (GRCh38, 1-based): chr5:151,325,318, C>T on the plus strand (G>A on the coding strand, the complement: SLC36A2 is on the minus strand). VCF-style: chr5-151325318-C-T. GRCh37 (hg19) VCF-style: chr5-150704879-C-T.
Identifiers: ClinVar variation 725463 (VCV000725463.32), dbSNP rs147978124, ClinGen allele CA3518686.